The following is an entry in ClinVar:

NM_001134363.3(RBM20):c.1606A>G (p.Ile536Val)

Gene: RBM20 (RNA binding motif protein 20; plus strand). Cytogenetic location: 10q25.2.
Variant type: single nucleotide variant.
Coding change: c.1606A>G on transcript NM_001134363.3 (MANE Select); coding-DNA position 1606, A replaced by G.
Protein change: p.Ile536Val; replaces isoleucine 536 with valine.
Molecular consequence: missense variant.
Genome position (GRCh38, 1-based): chr10:110,797,586, A>G. VCF-style: chr10-110797586-A-G. GRCh37 (hg19) VCF-style: chr10-112557344-A-G.
Other names: c.1606A>G (LRG_382t1); short protein forms I536V.
Identifiers: ClinVar variation 222779 (VCV000222779.3), dbSNP rs869025505, ClinGen allele CA351949.

ClinVar aggregate classification (germline): Uncertain significance (1 of 4 stars; one submission).

Conditions:
Dilated cardiomyopathy 1DD (CMD1DD). Identifiers: Orphanet 154, MedGen C2750995, MONDO:0013168, OMIM 613172.

gnomAD v4.1: 2 of 1,551,788 alleles (0.00013%); highest among the groups gnomAD compares: South Asian, 0.0012%; no homozygotes.

Submission:

Labcorp Genetics (formerly Invitae), Labcorp
Classification: Uncertain significance for Dilated cardiomyopathy 1DD. Last evaluated: 2025-01-15. Review status: criteria provided, single submitter. Criteria: Invitae Variant Classification Sherloc (09022015). Collection method: clinical testing. Allele origin: germline.
Comment: This sequence change replaces isoleucine, which is neutral and non-polar, with valine, which is neutral and non-polar, at codon 536 of the RBM20 protein (p.Ile536Val). This variant is not present in population databases (gnomAD no frequency). This variant has not been reported in the literature in individuals affected with RBM20-related conditions. ClinVar contains an entry for this variant (Variation ID: 222779). Invitae Evidence Modeling of protein sequence and biophysical properties (such as structural, functional, and spatial information, amino acid conservation, physicochemical variation, residue mobility, and thermodynamic stability) indicates that this missense variant is not expected to disrupt RBM20 protein function with a negative predictive value of 95%. In summary, the available evidence is currently insufficient to determine the role of this variant in disease. Therefore, it has been classified as a Variant of Uncertain Significance.